The following is an entry in ClinVar:

NM_001854.4(COL11A1):c.481G>C (p.Asp161His)

Gene: COL11A1 (collagen type XI alpha 1 chain; minus strand). Cytogenetic location: 1p21.1.
Variant type: single nucleotide variant.
Coding change: c.481G>C on transcript NM_001854.4 (MANE Select); coding-DNA position 481, G replaced by C.
Protein change: p.Asp161His; replaces aspartic acid 161 with histidine.
Molecular consequence: missense variant. On other transcripts: non-coding transcript variant (1).
Genome position (GRCh38, 1-based): chr1:103,078,665, C>G on the plus strand (G>C on the coding strand, the complement: COL11A1 is on the minus strand). VCF-style: chr1-103078665-C-G. GRCh37 (hg19) VCF-style: chr1-103544221-C-G.
Other names: c.481G>C, p.Asp161His (NM_001190709.2, NM_080629.3, NM_080630.4); short protein forms D161H.
Identifiers: ClinVar variation 3728806 (VCV003728806.2).
Genomic context (GRCh38, chr1:103,078,665, plus strand): 5'-ATAAAAAAAATGATTTTGGCATAGCTAAAACATTGTATTATTTTGTTACTTACTTCCCGT[C>G]AGCGATGTTAACAGTTCTGAAGAGGGGATAGTCTTCTGGGGCAGGTTTTCCAGTGTGGTC-3'
Protein context (NP_001845.3, residues 151-171): YPLFRTVNIA[Asp161His]GKWHRVAISV

ClinVar aggregate classification (germline): Uncertain significance (1 of 4 stars; one submission).

Submission:

Labcorp Genetics (formerly Invitae), Labcorp
Classification: Uncertain significance. Last evaluated: 2025-01-11. Review status: criteria provided, single submitter. Criteria: Invitae Variant Classification Sherloc (09022015). Collection method: clinical testing. Allele origin: germline.
Comment: This sequence change replaces aspartic acid, which is acidic and polar, with histidine, which is basic and polar, at codon 161 of the COL11A1 protein (p.Asp161His). This variant is not present in population databases (gnomAD no frequency). This variant has not been reported in the literature in individuals affected with COL11A1-related conditions. An algorithm developed to predict the effect of missense changes on protein structure and function (PolyPhen-2) suggests that this variant is likely to be disruptive. In summary, the available evidence is currently insufficient to determine the role of this variant in disease. Therefore, it has been classified as a Variant of Uncertain Significance.